The following is an entry in ClinVar:

ClinVar aggregate classification (germline): Uncertain significance (1 of 4 stars; one submission).

Conditions:
Pheochromocytoma. Also called: MAX-Related Hereditary Paraganglioma-Pheochromocytoma Syndrome. Identifiers: Orphanet 29072, MedGen C0031511, MONDO:0008233, OMIM 171300, HP:0002666.
Gastrointestinal stromal tumor. Also called: Gastrointestinal stromal tumor, somatic; Gastrointestinal stroma tumor. Identifiers: Orphanet 44890, MedGen C0238198, MeSH D046152, MONDO:0011719, OMIM 606764, HP:0100723.
Pheochromocytoma/paraganglioma syndrome 4. Also called: CAROTID BODY TUMORS AND MULTIPLE EXTRAADRENAL PHEOCHROMOCYTOMAS; PARAGANGLIOMA, FAMILIAL MALIGNANT; PARAGANGLIOMAS, HEREDITARY EXTRAADRENAL; PHEOCHROMOCYTOMA, FAMILIAL EXTRAADRENAL; Paragangliomas 4; SDHB-Related Hereditary Paraganglioma-Pheochromocytoma Syndrome (Paragangliomas 4). Identifiers: Orphanet 29072, MedGen C1861848, MONDO:0007273, OMIM 115310.

Submission:

Labcorp Genetics (formerly Invitae), Labcorp
Classification: Uncertain significance for Gastrointestinal stromal tumor; Pheochromocytoma/paraganglioma syndrome 4; Pheochromocytoma. Last evaluated: 2023-06-27. Review status: criteria provided, single submitter. Criteria: Invitae Variant Classification Sherloc (09022015). Collection method: clinical testing. Allele origin: germline.
Comment: This variant is not present in population databases (gnomAD no frequency). This sequence change replaces arginine, which is basic and polar, with proline, which is neutral and non-polar, at codon 27 of the SDHB protein (p.Arg27Pro). This variant has not been reported in the literature in individuals affected with SDHB-related conditions. Advanced modeling of protein sequence and biophysical properties (such as structural, functional, and spatial information, amino acid conservation, physicochemical variation, residue mobility, and thermodynamic stability) performed at Invitae indicates that this missense variant is not expected to disrupt SDHB protein function. In summary, the available evidence is currently insufficient to determine the role of this variant in disease. Therefore, it has been classified as a Variant of Uncertain Significance.

NM_003000.3(SDHB):c.80G>C (p.Arg27Pro)

Gene: SDHB (succinate dehydrogenase complex iron sulfur subunit B; minus strand). Cytogenetic location: 1p36.13.
Variant type: single nucleotide variant.
Coding change: c.80G>C on transcript NM_003000.3 (MANE Select); coding-DNA position 80, G replaced by C.
Protein change: p.Arg27Pro; replaces arginine 27 with proline.
Molecular consequence: missense variant.
Genome position (GRCh38, 1-based): chr1:17,044,881, C>G on the plus strand (G>C on the coding strand, the complement: SDHB is on the minus strand). VCF-style: chr1-17044881-C-G. GRCh37 (hg19) VCF-style: chr1-17371376-C-G.
Other names: c.80G>C, p.Arg27Pro (NM_001407361.1); short protein forms R27P.
Identifiers: ClinVar variation 2943933 (VCV002943933.3), dbSNP rs373976827, ClinGen allele CA338228406.
Genomic context (GRCh38, chr1:17,044,881, plus strand): 5'-CATCGATAGATGGCAAATTTCTTGATACGGGGAGCTGTGGCTGCAGCTGTCTGGGCTCCT[C>G]GGGAGGCCTGAAATTTTTTAAAGTTCACAAAAAGGAAAAAAAAATTAGAAATACAAGATA-3'
Protein context (NP_002991.2, residues 17-37): TLGGACLQAS[Arg27Pro]GAQTAAATAP